The following is an entry in ClinVar:

ClinVar aggregate classification (germline): Uncertain significance. Review status: criteria provided, multiple submitters, no conflicts (2 of 4 stars). 3 submissions from 3 submitters: Uncertain significance (3). Last evaluated 2024-04-19.

Conditions:
Autosomal recessive hypophosphatemic bone disease (HHRH). Also called: HYPERCALCIURIC RICKETS; Hypophosphatemic rickets with hypercalciuria. Identifiers: Orphanet 157215, MedGen C1853271, MONDO:0009431, OMIM 241530.
SLC34A3-related disorder. Also called: SLC34A3-related condition.

Allele frequency attached by ClinVar (database versions not stated): TOPMed 0.00001; gnomAD exomes 0.00003.

Submissions (3):

Fulgent Genetics
Classification: Uncertain significance for Autosomal recessive hypophosphatemic bone disease. Last evaluated: 2024-04-19. Review status: criteria provided, single submitter. Criteria: ACMG Guidelines, 2015. Collection method: clinical testing. Allele origin: germline.

PreventionGenetics, part of Exact Sciences
Classification: Uncertain significance for SLC34A3-related condition. Last evaluated: 2023-07-10. Review status: criteria provided, single submitter. Criteria: ACMG Guidelines, 2015. Collection method: clinical testing. Allele origin: germline.
Comment: The SLC34A3 c.1409C>G variant is predicted to result in the amino acid substitution p.Pro470Arg. To our knowledge, this variant has not been reported in the literature. This variant is reported in 0.00091% of alleles in individuals of European (Non-Finnish) descent in gnomAD. At this time, the clinical significance of this variant is uncertain due to the absence of conclusive functional and genetic evidence.

Blueprint Genetics
Classification: Uncertain significance. Last evaluated: 2023-02-20. Review status: criteria provided, single submitter. Criteria: ACMG Guidelines, 2015. Collection method: clinical testing. Allele origin: germline.

NM_001177316.2(SLC34A3):c.1409C>G (p.Pro470Arg)

Gene: SLC34A3 (solute carrier family 34 member 3; plus strand). Cytogenetic location: 9q34.3.
Variant type: single nucleotide variant.
Coding change: c.1409C>G on transcript NM_001177316.2 (MANE Select); coding-DNA position 1409, C replaced by G.
Protein change: p.Pro470Arg; replaces proline 470 with arginine.
Molecular consequence: missense variant.
Genome position (GRCh38, 1-based): chr9:137,236,025, C>G. VCF-style: chr9-137236025-C-G. GRCh37 (hg19) VCF-style: chr9-140130477-C-G.
Other names: c.1409C>G, p.Pro470Arg (NM_001177317.2, NM_080877.3); short protein forms P470R.
Identifiers: ClinVar variation 2635722 (VCV002635722.3), dbSNP rs1264618551, ClinGen allele CA375740510.